The following is an entry in ClinVar:

ClinVar aggregate classification (germline): Uncertain significance. Review status: criteria provided, multiple submitters, no conflicts (2 of 4 stars). 2 submissions from 2 submitters: Uncertain significance (2). Last evaluated 2025-07-31.

Conditions:
Familial hypobetalipoproteinemia 1. Also called: APOB-Related Familial Hypobetalipoproteinemia; Hypobetalipoproteinemia, normotriglyceridemic; Acanthocytosis with hypobetalipoproteinemia. Identifiers: MedGen C4551990, MONDO:0014252, OMIM 615558.
Hypercholesterolemia, autosomal dominant, type B (FHCL2). Also called: Familial Hypercholesterolemia Type B; APOLIPOPROTEIN B-100, FAMILIAL DEFECTIVE; APOLIPOPROTEIN B-100, FAMILIAL LIGAND-DEFECTIVE; HYPERCHOLESTEROLEMIA, FAMILIAL, DUE TO LIGAND-DEFECTIVE APOLIPOPROTEIN B; Hyperlipoproteinemia Type IIb; Familial hypercholesterolemia 2. Identifiers: MedGen C1704417, MONDO:0007751, OMIM 144010.
Cardiovascular phenotype. Identifiers: MedGen CN230736.

Allele frequency attached by ClinVar (database versions not stated): gnomAD exomes below 0.00001; TOPMed 0.00001.
gnomAD v4.1: 9 of 1,614,092 alleles (0.00056%); highest among the groups gnomAD compares: Non-Finnish European, 0.00068%; no homozygotes.

Submissions (2):

Ambry Genetics
Classification: Uncertain significance for Cardiovascular phenotype. Last evaluated: 2025-07-31. Review status: criteria provided, single submitter. Criteria: Ambry Variant Classification Scheme 2023. Collection method: clinical testing. Allele origin: germline.

Labcorp Genetics (formerly Invitae), Labcorp
Classification: Uncertain significance for Familial hypobetalipoproteinemia 1; Hypercholesterolemia, autosomal dominant, type B. Last evaluated: 2024-02-15. Review status: criteria provided, single submitter. Criteria: Invitae Variant Classification Sherloc (09022015). Collection method: clinical testing. Allele origin: germline.
Comment: This sequence change replaces tyrosine, which is neutral and polar, with cysteine, which is neutral and slightly polar, at codon 3379 of the APOB protein (p.Tyr3379Cys). This variant is not present in population databases (gnomAD no frequency). This variant has not been reported in the literature in individuals affected with APOB-related conditions. Advanced modeling of protein sequence and biophysical properties (such as structural, functional, and spatial information, amino acid conservation, physicochemical variation, residue mobility, and thermodynamic stability) performed at Invitae indicates that this missense variant is not expected to disrupt APOB protein function with a negative predictive value of 95%. In summary, the available evidence is currently insufficient to determine the role of this variant in disease. Therefore, it has been classified as a Variant of Uncertain Significance.

NM_000384.3(APOB):c.10136A>G (p.Tyr3379Cys)

Gene: APOB (apolipoprotein B; minus strand). Cytogenetic location: 2p24.1.
Variant type: single nucleotide variant.
Coding change: c.10136A>G on transcript NM_000384.3 (MANE Select); coding-DNA position 10136, A replaced by G.
Protein change: p.Tyr3379Cys; replaces tyrosine 3379 with cysteine.
Molecular consequence: missense variant.
Genome position (GRCh38, 1-based): chr2:21,006,732, T>C on the plus strand (A>G on the coding strand, the complement: APOB is on the minus strand). VCF-style: chr2-21006732-T-C. GRCh37 (hg19) VCF-style: chr2-21229604-T-C.
Other names: short protein forms Y3379C.
Identifiers: ClinVar variation 3760712 (VCV003760712.3), dbSNP rs201511950.
Genomic context (GRCh38, chr2:21,006,732, plus strand): 5'-AGAGCTGTGGCTAACTTCAATCCCCTTTTTCTTGTCAATCTTGTGGTGCCCTCTAATTTG[T>C]ACTGCAGTGCATCAATGACAGATGAAGATGAAGAAAGGAGATGAGCAACAATATCTGACT-3'
Protein context (NP_000375.3, residues 3369-3389): SSSSVIDALQ[Tyr3379Cys]KLEGTTRLTR